The following is an entry in ClinVar:

ClinVar aggregate classification (germline): Likely benign (1 of 4 stars; one submission).

Submission:

CeGaT Center for Human Genetics Tuebingen
Classification: Likely benign. Last evaluated: 2026-03-01. Review status: criteria provided, single submitter. Criteria: CeGaT Center For Human Genetics Tuebingen Variant Classification Criteria Version 2. Collection method: clinical testing. Allele origin: germline. Affected: yes. Observed: 1 variant allele.
Comment: GINS3: BP4, BP7

NM_022770.4(GINS3):c.294T>G (p.Thr98=)

Gene: GINS3 (GINS complex subunit 3; plus strand). Cytogenetic location: 16q21.
Variant type: single nucleotide variant.
Coding change: c.294T>G on transcript NM_022770.4 (MANE Select); coding-DNA position 294, T replaced by G.
Protein change: p.Thr98=; no amino-acid change (threonine 98 retained).
Molecular consequence: synonymous variant. On other transcripts: intron variant (1).
Genome position (GRCh38, 1-based): chr16:58,403,205, T>G. VCF-style: chr16-58403205-T-G. GRCh37 (hg19) VCF-style: chr16-58437109-T-G.
Other names: c.411T>G, p.Thr137= (NM_001126129.2); c.187-1294T>G (NM_001126130.2).
Identifiers: ClinVar variation 4821809 (VCV004821809.4).
Genomic context (GRCh38, chr16:58,403,205, plus strand): 5'-CAACAAGCGACGGATCCTTTCTGTGGAACTCCCCAAGATCTACCAAGAGGGTTGGAGGAC[T>G]GTGTTCAGTGCAGATCCCAATGTGGTGGACCTCCACAAAATGGGGCCCCATTTCTACGGG-3'
Protein context (NP_073607.2, residues 88-108): LPKIYQEGWR[Thr98=]VFSADPNVVD